The following is an entry in ClinVar:

ClinVar aggregate classification (germline): Likely benign. Review status: criteria provided, multiple submitters, no conflicts (2 of 4 stars). 3 submissions from 3 submitters: Likely benign (3). Last evaluated 2024-10-09.

Allele frequency attached by ClinVar (database versions not stated): ExAC 0.00003; gnomAD exomes 0.00003 and 0.00006; TOPMed 0.00005; gnomAD 0.00007.
gnomAD v4.1: 103 of 1,611,922 alleles (0.0064%); highest among the groups gnomAD compares: Non-Finnish European, 0.0082%; no homozygotes.

Submissions (3):

Blueprint Genetics
Classification: Likely benign. Last evaluated: 2024-10-09. Review status: criteria provided, single submitter. Criteria: ACMG Guidelines, 2015. Collection method: clinical testing. Allele origin: germline.

CeGaT Center for Human Genetics Tuebingen
Classification: Likely benign. Last evaluated: 2022-04-01. Review status: criteria provided, single submitter. Criteria: CeGaT Center For Human Genetics Tuebingen Variant Classification Criteria Version 2. Collection method: clinical testing. Allele origin: germline. Affected: yes. Observed: 1 variant allele.
Comment: CDH23: BP4, BP7

Laboratory for Molecular Medicine, Mass General Brigham Personalized Medicine
Classification: Likely benign. Last evaluated: 2019-01-28. Review status: criteria provided, single submitter. Criteria: LMM Criteria. Collection method: clinical testing. Allele origin: germline. Observed: 1 variant allele.
Comment: The p.Arg517Arg variant in CDH23 is classified as likely benign because it does not alter an amino acid residue, is not located within the splice consensus site, and computational splice prediction tools do not predict an impact on splicing. It has been identified in 0.006% (8/125976) of European chromosomes by gnomAD. ACMG/AMP Criteria applied: BP4, BP7.

NM_022124.6(CDH23):c.1449+100A>C

Gene: CDH23 (cadherin related 23; plus strand). Cytogenetic location: 10q22.1.
Variant type: single nucleotide variant.
Coding change: c.1449+100A>C on transcript NM_022124.6 (MANE Select); 100 bases into the intron after coding-DNA position 1449, A replaced by C.
Molecular consequence: intron variant. On other transcripts: synonymous variant (1).
Genome position (GRCh38, 1-based): chr10:71,646,717, A>C. VCF-style: chr10-71646717-A-C. GRCh37 (hg19) VCF-style: chr10-73406474-A-C.
Other names: c.1549A>C, p.Arg517= (NM_052836.4); c.1449+100A>C (NM_001171930.2, NM_001171931.2).
Identifiers: ClinVar variation 666666 (VCV000666666.30), dbSNP rs758005146, ClinGen allele CA5543827.